The following is an entry in ClinVar:

NM_001110556.2(FLNA):c.6499C>A (p.Pro2167Thr)

Gene: FLNA (filamin A; minus strand). Cytogenetic location: Xq28.
Variant type: single nucleotide variant.
Coding change: c.6499C>A on transcript NM_001110556.2 (MANE Select); coding-DNA position 6499, C replaced by A.
Protein change: p.Pro2167Thr; replaces proline 2167 with threonine.
Molecular consequence: missense variant.
Genome position (GRCh38, 1-based): chrX:154,352,556, G>T on the plus strand (C>A on the coding strand, the complement: FLNA is on the minus strand). VCF-style: chrX-154352556-G-T. GRCh37 (hg19) VCF-style: chrX-153580924-G-T.
Other names: c.6475C>A, p.Pro2159Thr (NM_001456.4); short protein forms P2159T, P2167T.
Identifiers: ClinVar variation 1305525 (VCV001305525.2), dbSNP rs2148104317, ClinGen allele CA415191779.

ClinVar aggregate classification (germline): Uncertain significance (1 of 4 stars; one submission).

Submission:

GeneDx
Classification: Uncertain significance. Last evaluated: 2019-10-17. Review status: criteria provided, single submitter. Criteria: GeneDx Variant Classification Process June 2021. Collection method: clinical testing. Allele origin: germline. Affected: yes.
Comment: Not observed in large population cohorts (Lek et al., 2016); In silico analysis, which includes protein predictors and evolutionary conservation, supports a deleterious effect; Has not been previously published as pathogenic or benign to our knowledge